The following is an entry in ClinVar:

NM_007348.4(ATF6):c.1648A>G (p.Arg550Gly)

Gene: ATF6 (activating transcription factor 6; plus strand). Cytogenetic location: 1q23.3.
Variant type: single nucleotide variant.
Coding change: c.1648A>G on transcript NM_007348.4 (MANE Select); coding-DNA position 1648, A replaced by G.
Protein change: p.Arg550Gly; replaces arginine 550 with glycine.
Molecular consequence: missense variant.
Genome position (GRCh38, 1-based): chr1:161,863,241, A>G. VCF-style: chr1-161863241-A-G. GRCh37 (hg19) VCF-style: chr1-161833031-A-G.
Other names: c.1648A>G (NM_007348.3); short protein forms R550G.
Identifiers: ClinVar variation 1050973 (VCV001050973.6), dbSNP rs779953793, ClinGen allele CA1214560.

ClinVar aggregate classification (germline): Conflicting classifications of pathogenicity. Review status: criteria provided, conflicting classifications (1 of 4 stars). 3 submissions from 3 submitters: Uncertain significance (2); Likely benign (1). Last evaluated 2025-08-31.

Conditions:
Inborn genetic diseases. Identifiers: MedGen C0950123, MeSH D030342.

Allele frequency attached by ClinVar (database versions not stated): ExAC 0.00002; gnomAD exomes 0.00004; gnomAD 0.00005; TOPMed 0.00005.
gnomAD v4.1: 69 of 1,613,188 alleles (0.0043%); highest among the groups gnomAD compares: Admixed American, 0.017%; no homozygotes.

Submissions (3):

Ambry Genetics
Classification: Uncertain significance for Inborn genetic diseases. Last evaluated: 2025-08-31. Review status: criteria provided, single submitter. Criteria: Ambry Variant Classification Scheme 2023. Collection method: clinical testing. Allele origin: germline.

Blueprint Genetics
Classification: Likely benign. Last evaluated: 2024-04-09. Review status: criteria provided, single submitter. Criteria: ACMG Guidelines, 2015. Collection method: clinical testing. Allele origin: germline.

Labcorp Genetics (formerly Invitae), Labcorp
Classification: Uncertain significance. Last evaluated: 2022-10-24. Review status: criteria provided, single submitter. Criteria: Invitae Variant Classification Sherloc (09022015). Collection method: clinical testing. Allele origin: germline.
Comment: This sequence change replaces arginine, which is basic and polar, with glycine, which is neutral and non-polar, at codon 550 of the ATF6 protein (p.Arg550Gly). This variant is present in population databases (rs779953793, gnomAD 0.006%). This variant has not been reported in the literature in individuals affected with ATF6-related conditions. ClinVar contains an entry for this variant (Variation ID: 1050973). Advanced modeling of protein sequence and biophysical properties (such as structural, functional, and spatial information, amino acid conservation, physicochemical variation, residue mobility, and thermodynamic stability) performed at Invitae indicates that this missense variant is not expected to disrupt ATF6 protein function. In summary, the available evidence is currently insufficient to determine the role of this variant in disease. Therefore, it has been classified as a Variant of Uncertain Significance.